The following is an entry in ClinVar:

ClinVar aggregate classification (germline): Pathogenic (1 of 4 stars; one submission).

Conditions:
Multiple endocrine neoplasia, type 1 (MEN1). Also called: MEN I; WERMER SYNDROME; Endocrine adenomatosis multiple; MEN 1; MEA I. Identifiers: Orphanet 652, MedGen C0025267, MeSH D018761, MONDO:0007540, OMIM 131100.

Submission:

Labcorp Genetics (formerly Invitae), Labcorp
Classification: Pathogenic for Multiple endocrine neoplasia, type 1. Last evaluated: 2016-09-21. Review status: criteria provided, single submitter. Criteria: Invitae Variant Classification Sherloc (09022015). Collection method: clinical testing. Allele origin: germline.
Comment: While this particular variant has not been reported in the literature, loss-of-function variants in MEN1 are known to be pathogenic (PMID: 17853334, 12112656). For these reasons, this variant has been classified as Pathogenic. This sequence change creates a premature translational stop signal at codon 106 (p.Tyr106*) of the MEN1 gene. It is expected to result in an absent or disrupted protein product.

Literature cited by the submitters: PubMed 17853334; PubMed 12112656.

NM_001370259.2(MEN1):c.318T>A (p.Tyr106Ter)

Gene: MEN1 (menin 1; minus strand). Cytogenetic location: 11q13.1.
Variant type: single nucleotide variant.
Coding change: c.318T>A on transcript NM_001370259.2 (MANE Select); coding-DNA position 318, T replaced by A.
Protein change: p.Tyr106Ter; replaces tyrosine 106 with a stop codon.
Molecular consequence: nonsense.
Genome position (GRCh38, 1-based): chr11:64,809,792, A>T on the plus strand (T>A on the coding strand, the complement: MEN1 is on the minus strand). VCF-style: chr11-64809792-A-T. GRCh37 (hg19) VCF-style: chr11-64577264-A-T.
Other names: c.318T>A, p.Tyr106Ter (NM_000244.4, NM_001370251.2, NM_001370260.2 and 9 more transcripts); short protein forms Y106*.
Identifiers: ClinVar variation 403833 (VCV000403833.6), dbSNP rs1060499987, ClinGen allele CA16613689.